The following is an entry in ClinVar:

ClinVar aggregate classification (germline): Uncertain significance. Review status: criteria provided, multiple submitters, no conflicts (2 of 4 stars). 8 submissions from 8 submitters: Uncertain significance (7). 1 of the submissions does not count toward it. Last evaluated 2025-10-06.

Conditions:
PGM1-related disorder. Also called: PGM1-related condition; PGM1-related disorders.
PGM1-congenital disorder of glycosylation. Also called: CDG It; PHOSPHOGLUCOMUTASE 1 DEFICIENCY; PGM1 DEFICIENCY; Congenital disorder of glycosylation type 1t; GLYCOGEN STORAGE DISEASE XIV; GSD XIV. Identifiers: Orphanet 319646, MedGen C2752015, MONDO:0013968, OMIM 614921.
Inborn genetic diseases. Identifiers: MedGen C0950123, MeSH D030342.

Allele frequency attached by ClinVar (database versions not stated): gnomAD exomes 0.00007 and 0.00015; ExAC 0.00018; 1000 Genomes Project 0.00020; 1000 Genomes Project 30x 0.00031; ESP Exome Variant Server 0.00062; gnomAD 0.00065 and 0.00072; TOPMed 0.00080.
gnomAD v4.1: 202 of 1,613,130 alleles (0.013%); highest among the groups gnomAD compares: African/African-American, 0.22%; no homozygotes.

Submissions (8):

Women's Health and Genetics/Laboratory Corporation of America, LabCorp
Classification: Uncertain significance. Last evaluated: 2025-10-06. Review status: criteria provided, single submitter. Criteria: LabCorp Variant Classification Summary - May 2015. Collection method: clinical testing. Allele origin: germline.
Comment: Variant summary: PGM1 c.572C>T (p.Ser191Leu) results in a non-conservative amino acid change in the encoded protein sequence. Algorithms developed to predict the effect of missense changes on protein structure and function are either unavailable or do not agree on the potential impact of this missense change. The variant allele was found at a frequency of 0.00015 in 251014 control chromosomes. This frequency is not significantly higher than estimated for disease-causing variants in PGM1, allowing no conclusion about variant significance. To our knowledge, no occurrence of c.572C>T in individuals affected with PGM1-related conditions and no experimental evidence demonstrating its impact on protein function have been reported. ClinVar contains an entry for this variant (Variation ID: 558801). Based on the evidence outlined above, the variant was classified as uncertain significance.

Mayo Clinic Laboratories, Mayo Clinic
Classification: Uncertain significance. Last evaluated: 2025-07-03. Review status: criteria provided, single submitter. Criteria: ACMG Guidelines, 2015. Collection method: clinical testing. Allele origin: germline. Observed: 1 variant allele.
Comment: BS1

Blueprint Genetics
Classification: Uncertain significance. Last evaluated: 2024-09-23. Review status: criteria provided, single submitter. Criteria: ACMG Guidelines, 2015. Collection method: clinical testing. Allele origin: germline.

GeneDx
Classification: Uncertain significance. Last evaluated: 2024-01-08. Review status: criteria provided, single submitter. Criteria: GeneDx Variant Classification Process June 2021. Collection method: clinical testing. Allele origin: germline. Affected: yes.
Comment: In silico analysis, which includes protein predictors and evolutionary conservation, supports a deleterious effect; Has not been previously published as pathogenic or benign to our knowledge

Revvity Omics, Revvity
Classification: Uncertain significance for PGM1-congenital disorder of glycosylation. Last evaluated: 2022-12-13. Review status: criteria provided, single submitter. Criteria: ACMG Guidelines, 2015. Collection method: clinical testing. Allele origin: germline.

Labcorp Genetics (formerly Invitae), Labcorp
Classification: Uncertain significance for PGM1-congenital disorder of glycosylation. Last evaluated: 2022-11-01. Review status: criteria provided, single submitter. Criteria: Invitae Variant Classification Sherloc (09022015). Collection method: clinical testing. Allele origin: germline.
Comment: This sequence change replaces serine, which is neutral and polar, with leucine, which is neutral and non-polar, at codon 191 of the PGM1 protein (p.Ser191Leu). This variant is present in population databases (rs147971989, gnomAD 0.2%). This variant has not been reported in the literature in individuals affected with PGM1-related conditions. ClinVar contains an entry for this variant (Variation ID: 558801). Advanced modeling of protein sequence and biophysical properties (such as structural, functional, and spatial information, amino acid conservation, physicochemical variation, residue mobility, and thermodynamic stability) performed at Invitae indicates that this missense variant is not expected to disrupt PGM1 protein function. In summary, the available evidence is currently insufficient to determine the role of this variant in disease. Therefore, it has been classified as a Variant of Uncertain Significance.

Ambry Genetics
Classification: Uncertain significance for Inborn genetic diseases. Last evaluated: 2021-05-04. Review status: criteria provided, single submitter. Criteria: Ambry Variant Classification Scheme 2023. Collection method: clinical testing. Allele origin: germline.

PreventionGenetics, part of Exact Sciences
Classification: Likely benign for PGM1-related condition. Last evaluated: 2022-05-16. Review status: no assertion criteria provided. Collection method: clinical testing. Allele origin: germline. Not counted in ClinVar's aggregate classification.
Comment: This variant is classified as likely benign based on ACMG/AMP sequence variant interpretation guidelines (Richards et al. 2015 PMID: 25741868, with internal and published modifications).

NM_002633.3(PGM1):c.572C>T (p.Ser191Leu)

Gene: PGM1 (phosphoglucomutase 1; plus strand). Cytogenetic location: 1p31.3.
Variant type: single nucleotide variant.
Coding change: c.572C>T on transcript NM_002633.3 (MANE Select); coding-DNA position 572, C replaced by T.
Protein change: p.Ser191Leu; replaces serine 191 with leucine.
Molecular consequence: missense variant. On other transcripts: 5 prime UTR variant (1).
Genome position (GRCh38, 1-based): chr1:63,631,672, C>T. VCF-style: chr1-63631672-C-T. GRCh37 (hg19) VCF-style: chr1-64097343-C-T.
Other names: p.Ser191Leu; c.626C>T, p.Ser209Leu (NM_001172818.1); c.-20C>T (NM_001172819.2); short protein forms S191L, S209L.
Identifiers: ClinVar variation 558801 (VCV000558801.24), dbSNP rs147971989, ClinGen allele CA889579.
Genomic context (GRCh38, chr1:63,631,672, plus strand): 5'-AATGTGTTTAATCCTTCCATCTTTTGATGTTGCTTGTTCTCACAGTGGAAATTGTGGATT[C>T]GGTAGAAGCTTATGCTACAATGCTGAGAAGCATCTTTGATTTCAGTGCACTGAAAGAACT-3'
Protein context (NP_002624.2, residues 181-201): FKPFTVEIVD[Ser191Leu]VEAYATMLRS